The following is an entry in ClinVar:

NM_001363066.2(CLDN5):c.642_643delinsTT (p.Lys214_Lys215delinsAsnTer)

Gene: CLDN5 (claudin 5; minus strand). Cytogenetic location: 22q11.21.
Variant type: Indel.
Coding change: c.642_643delinsTT on transcript NM_001363066.2 (MANE Select); coding-DNA positions 642 to 643, GA replaced by TT.
Protein change: p.Lys214_Lys215delinsAsnTer.
Molecular consequence: nonsense.
Genome position (GRCh38, 1-based): chr22:19,523,613-19,523,614, TC replaced by AA on the plus strand (GA replaced by TT on the coding strand, the reverse complement: CLDN5 is on the minus strand). VCF-style: chr22-19523613-TC-AA. GRCh37 (hg19) VCF-style: chr22-19511136-TC-AA.
Other names: c.897_898delinsTT, p.Lys299_Lys300delinsAsnTer (NM_001130861.1, NM_001363067.2, NM_003277.4).
Identifiers: ClinVar variation 3369645 (VCV003369645.1).
Genomic context (GRCh38, chr22:19,523,613, plus strand): 5'-CTCGCAGGCGTGGCTGGCAGGAGGGGCCCGGCCGTGCCCAGCGCCCTCAGACGTAGTTCT[TC>AA]TTGTCGTAGTCGCCGGTGGCCGTGGGCCGCCGCGGCGCTGAGTACTTCACGGGGAAGCTG-3'

ClinVar aggregate classification (germline): Uncertain significance (1 of 4 stars; one submission).

Submission:

GeneDx
Classification: Uncertain significance. Last evaluated: 2024-02-23. Review status: criteria provided, single submitter. Criteria: GeneDx Variant Classification Process June 2021. Collection method: clinical testing. Allele origin: germline. Affected: yes.
Comment: Not observed at significant frequency in large population cohorts (gnomAD); Nonsense variant predicted to result in protein truncation as the last 5 amino acids are lost and one amino acid inserted in a gene for which loss-of-function is not a known mechanism of disease; Has not been previously published as pathogenic or benign to our knowledge